The following is an entry in ClinVar:

ClinVar aggregate classification (germline): Likely benign (0 of 4 stars; one submission).

Conditions:
TSHZ3-related disorder. Also called: TSHZ3-related condition.

gnomAD v4.1: 184 of 1,614,096 alleles (0.011%); highest among the groups gnomAD compares: South Asian, 0.19%; no homozygotes.

Submission:

PreventionGenetics, part of Exact Sciences
Classification: Likely benign for TSHZ3-related condition. Last evaluated: 2024-05-23. Review status: no assertion criteria provided. Collection method: clinical testing. Allele origin: germline.
Comment: This variant is classified as likely benign based on ACMG/AMP sequence variant interpretation guidelines (Richards et al. 2015 PMID: 25741868, with internal and published modifications).

NM_020856.4(TSHZ3):c.941C>G (p.Ala314Gly)

Gene: TSHZ3 (teashirt zinc finger homeobox 3; minus strand). Cytogenetic location: 19q12.
Variant type: single nucleotide variant.
Coding change: c.941C>G on transcript NM_020856.4 (MANE Select); coding-DNA position 941, C replaced by G.
Protein change: p.Ala314Gly; replaces alanine 314 with glycine.
Molecular consequence: missense variant.
Genome position (GRCh38, 1-based): chr19:31,278,852, G>C on the plus strand (C>G on the coding strand, the complement: TSHZ3 is on the minus strand). VCF-style: chr19-31278852-G-C. GRCh37 (hg19) VCF-style: chr19-31769758-G-C.
Other names: short protein forms A314G.
Identifiers: ClinVar variation 3352902 (VCV003352902.1).